The following is an entry in ClinVar:

NM_003803.4(MYOM1):c.3453T>A (p.Asp1151Glu)

Gene: MYOM1 (myomesin 1; minus strand). Cytogenetic location: 18p11.31.
Variant type: single nucleotide variant.
Coding change: c.3453T>A on transcript NM_003803.4 (MANE Select); coding-DNA position 3453, T replaced by A.
Protein change: p.Asp1151Glu; replaces aspartic acid 1151 with glutamic acid.
Molecular consequence: missense variant.
Genome position (GRCh38, 1-based): chr18:3,102,596, A>T on the plus strand (T>A on the coding strand, the complement: MYOM1 is on the minus strand). VCF-style: chr18-3102596-A-T. GRCh37 (hg19) VCF-style: chr18-3102594-A-T.
Other names: c.3165T>A, p.Asp1055Glu (NM_019856.2); short protein forms D1151E, D1055E.
Identifiers: ClinVar variation 226818 (VCV000226818.21), dbSNP rs143879853, ClinGen allele CA8874281.

ClinVar aggregate classification (germline): Benign/Likely benign. Review status: criteria provided, multiple submitters, no conflicts (2 of 4 stars). 5 submissions from 5 submitters: Benign (3); Likely benign (1). 1 of the submissions does not count toward it. Last evaluated 2026-02-01.

Conditions:
MYOM1-related disorder.
Hypertrophic cardiomyopathy. Also called: HYPERTROPHIC MYOCARDIOPATHY. Identifiers: Orphanet 217569, MedGen C0007194, MeSH D002312, MONDO:0005045, HP:0001639.

Allele frequency attached by ClinVar (database versions not stated): gnomAD exomes 0.00135 and 0.00049; ExAC 0.00162; gnomAD 0.00543 and 0.00578; ESP Exome Variant Server 0.00556; TOPMed 0.00557; 1000 Genomes Project 0.00739; 1000 Genomes Project 30x 0.00812.
gnomAD v4.1: 1,558 of 1,613,928 alleles (0.097%); highest among the groups gnomAD compares: African/African-American, 1.9%; 13 homozygotes.

Submissions (5):

Labcorp Genetics (formerly Invitae), Labcorp
Classification: Benign for Hypertrophic cardiomyopathy. Last evaluated: 2026-02-01. Review status: criteria provided, single submitter. Criteria: Invitae Variant Classification Sherloc (09022015). Collection method: clinical testing. Allele origin: germline.

Ambry Genetics
Classification: Likely benign. Last evaluated: 2022-09-05. Review status: criteria provided, single submitter. Criteria: Ambry Variant Classification Scheme 2023. Collection method: clinical testing. Allele origin: germline.

Laboratory for Molecular Medicine, Mass General Brigham Personalized Medicine
Classification: Benign. Last evaluated: 2014-11-24. Review status: criteria provided, single submitter. Criteria: LMM Criteria. Collection method: clinical testing. Allele origin: germline. Observed: 1 variant allele.
Comment: Asp1151Glu in exon 23 of MYOM1: This variant is not expected to have clinical si gnificance because it has been identified in 1.8% (67/3808) of African American chromosomes from a broad population by the NHLBI Exome Sequencing Project (dbSNP rs143879853).

Breakthrough Genomics
Classification: Benign. Review status: criteria provided, single submitter. Criteria: ACMG Guidelines, 2015. Collection method: not provided. Allele origin: germline. Inheritance: Unknown mechanism. Affected: yes.

PreventionGenetics, part of Exact Sciences
Classification: Benign for MYOM1-related condition. Last evaluated: 2019-02-20. Review status: no assertion criteria provided. Collection method: clinical testing. Allele origin: germline. Not counted in ClinVar's aggregate classification.
Comment: This variant is classified as benign based on ACMG/AMP sequence variant interpretation guidelines (Richards et al. 2015 PMID: 25741868, with internal and published modifications).